The following is an entry in ClinVar:

ClinVar aggregate classification (germline): Likely benign. Review status: criteria provided, multiple submitters, no conflicts (2 of 4 stars). 3 submissions from 3 submitters: Likely benign (3). Last evaluated 2026-02-01.

Allele frequency attached by ClinVar (database versions not stated): TOPMed 0.00003; gnomAD exomes 0.00006 and 0.00012; gnomAD 0.00008 and 0.00009; ExAC 0.00012.
gnomAD v4.1: 107 of 1,613,958 alleles (0.0066%); highest among the groups gnomAD compares: East Asian, 0.0089%; no homozygotes.

Submissions (3):

CeGaT Center for Human Genetics Tuebingen
Classification: Likely benign. Last evaluated: 2026-02-01. Review status: criteria provided, single submitter. Criteria: CeGaT Center For Human Genetics Tuebingen Variant Classification Criteria Version 2. Collection method: clinical testing. Allele origin: germline. Affected: yes. Observed: 1 variant allele.
Comment: DMXL2: BP4, BP7

Labcorp Genetics (formerly Invitae), Labcorp
Classification: Likely benign. Last evaluated: 2025-03-11. Review status: criteria provided, single submitter. Criteria: Invitae Variant Classification Sherloc (09022015). Collection method: clinical testing. Allele origin: germline.

Blueprint Genetics
Classification: Likely benign. Last evaluated: 2024-11-25. Review status: criteria provided, single submitter. Criteria: ACMG Guidelines, 2015. Collection method: clinical testing. Allele origin: germline.

NM_001378457.1(DMXL2):c.2136T>G (p.Thr712=)

Gene: DMXL2 (Dmx like 2; minus strand). Cytogenetic location: 15q21.2.
Variant type: single nucleotide variant.
Coding change: c.2136T>G on transcript NM_001378457.1 (MANE Select); coding-DNA position 2136, T replaced by G.
Protein change: p.Thr712=; no amino-acid change (threonine 712 retained).
Molecular consequence: synonymous variant. On other transcripts: non-coding transcript variant (2).
Genome position (GRCh38, 1-based): chr15:51,536,344, A>C on the plus strand (T>G on the coding strand, the complement: DMXL2 is on the minus strand). VCF-style: chr15-51536344-A-C. GRCh37 (hg19) VCF-style: chr15-51828541-A-C.
Other names: c.2136T>G, p.Thr712= (NM_001174116.3, NM_001174117.3, NM_001378458.1 and 6 more transcripts); c.1896T>G, p.Thr632= (NM_001378464.1).
Identifiers: ClinVar variation 740439 (VCV000740439.13), dbSNP rs752442992, ClinGen allele CA7562442.